The following is an entry in ClinVar:

ClinVar aggregate classification (germline): Uncertain significance. Review status: criteria provided, multiple submitters, no conflicts (2 of 4 stars). 4 submissions from 4 submitters: Uncertain significance (4). Last evaluated 2025-08-26.

Conditions:
Aortic aneurysm, familial thoracic 4 (AAT4). Also called: AORTIC ANEURYSM/AORTIC DISSECTION AND PATENT DUCTUS ARTERIOSUS. Identifiers: MedGen C1851504, MONDO:0007568, OMIM 132900.
Familial thoracic aortic aneurysm and aortic dissection (TAAD). Also called: Thoracic aortic aneurysms and dissections. Identifiers: Orphanet 91387, MedGen C4707243, MONDO:0019625.

Allele frequency attached by ClinVar (database versions not stated): gnomAD exomes below 0.00001; gnomAD 0.00001; TOPMed 0.00001.
gnomAD v4.1: 14 of 1,613,982 alleles (0.00087%); highest among the groups gnomAD compares: African/African-American, 0.0013%; no homozygotes.

Submissions (4):

Labcorp Genetics (formerly Invitae), Labcorp
Classification: Uncertain significance for Aortic aneurysm, familial thoracic 4. Last evaluated: 2025-08-26. Review status: criteria provided, single submitter. Criteria: Invitae Variant Classification Sherloc (09022015). Collection method: clinical testing. Allele origin: germline.
Comment: This sequence change replaces aspartic acid, which is acidic and polar, with asparagine, which is neutral and polar, at codon 619 of the MYH11 protein (p.Asp619Asn). This variant is not present in population databases (gnomAD no frequency). This variant has not been reported in the literature in individuals affected with MYH11-related conditions. ClinVar contains an entry for this variant (Variation ID: 927288). Invitae Evidence Modeling of protein sequence and biophysical properties (such as structural, functional, and spatial information, amino acid conservation, physicochemical variation, residue mobility, and thermodynamic stability) indicates that this missense variant is not expected to disrupt MYH11 protein function with a negative predictive value of 95%. In summary, the available evidence is currently insufficient to determine the role of this variant in disease. Therefore, it has been classified as a Variant of Uncertain Significance.

Ambry Genetics
Classification: Uncertain significance for Familial thoracic aortic aneurysm and aortic dissection. Last evaluated: 2025-05-26. Review status: criteria provided, single submitter. Criteria: Ambry Variant Classification Scheme 2023. Collection method: clinical testing. Allele origin: germline.
Comment: The p.D612N variant (also known as c.1834G>A), located in coding exon 14 of the MYH11 gene, results from a G to A substitution at nucleotide position 1834. The aspartic acid at codon 612 is replaced by asparagine, an amino acid with highly similar properties. This amino acid position is conserved. In addition, this alteration is predicted to be tolerated by in silico analysis. Based on the available evidence, the clinical significance of this variant remains unclear.

All of Us Research Program, National Institutes of Health
Classification: Uncertain significance for Familial thoracic aortic aneurysm and aortic dissection. Last evaluated: 2024-07-20. Review status: criteria provided, single submitter. Criteria: ACMG Guidelines, 2015. Collection method: clinical testing. Allele origin: germline. Inheritance: Autosomal dominant inheritance. Observed: 3 variant alleles, 3 heterozygotes.
Comment: This missense variant replaces aspartic acid with asparagine at codon 619 of the MYH11 protein. Computational prediction suggests that this variant may not impact protein structure and function (internally defined REVEL score threshold <= 0.5, PMID: 27666373). To our knowledge, functional studies have not been reported for this variant. This variant has not been reported in individuals affected with cardiovascular disorders in the literature. This variant has been identified in 1/251486 chromosomes in the general population by the Genome Aggregation Database (gnomAD). The available evidence is insufficient to determine the role of this variant in disease conclusively. Therefore, this variant is classified as a Variant of Uncertain Significance.

This study involves interpretation of variants in research participants for the purpose of population health screening. Participant phenotype was not available at the time of variant classification. Additional details can be found in publication PMID: 35346344, PMCID: PMC8962531

Color Diagnostics, LLC DBA Color Health
Classification: Uncertain significance for Familial thoracic aortic aneurysm and aortic dissection. Last evaluated: 2024-03-06. Review status: criteria provided, single submitter. Criteria: ACMG Guidelines, 2015. Collection method: clinical testing. Allele origin: germline.
Comment: This missense variant replaces aspartic acid with asparagine at codon 619 of the MYH11 protein. Computational prediction suggests that this variant may not impact protein structure and function (internally defined REVEL score threshold <= 0.5, PMID: 27666373). To our knowledge, functional studies have not been reported for this variant. This variant has not been reported in individuals affected with cardiovascular disorders in the literature. This variant has been identified in 1/251486 chromosomes in the general population by the Genome Aggregation Database (gnomAD). The available evidence is insufficient to determine the role of this variant in disease conclusively. Therefore, this variant is classified as a Variant of Uncertain Significance.

NM_002474.3(MYH11):c.1834G>A (p.Asp612Asn)

Gene: MYH11 (myosin heavy chain 11; minus strand). Cytogenetic location: 16p13.11.
Variant type: single nucleotide variant.
Coding change: c.1834G>A on transcript NM_002474.3 (MANE Select); coding-DNA position 1834, G replaced by A.
Protein change: p.Asp612Asn; replaces aspartic acid 612 with asparagine.
Molecular consequence: missense variant.
Genome position (GRCh38, 1-based): chr16:15,753,424, C>T on the plus strand (G>A on the coding strand, the complement: MYH11 is on the minus strand). VCF-style: chr16-15753424-C-T. GRCh37 (hg19) VCF-style: chr16-15847281-C-T.
Other names: c.1855G>A, p.Asp619Asn (NM_001040113.2, NM_001040114.2); c.1834G>A, p.Asp612Asn (NM_022844.3); c.1834G>A (NM_002474.2); short protein forms D612N, D619N.
Identifiers: ClinVar variation 927288 (VCV000927288.11), dbSNP rs1267918882, ClinGen allele CA394869320.